The following is an entry in ClinVar:

ClinVar aggregate classification (germline): Uncertain significance. Review status: criteria provided, multiple submitters, no conflicts (2 of 4 stars). 3 submissions from 3 submitters: Uncertain significance (2). 1 of the submissions does not count toward it. Last evaluated 2023-10-12.

Conditions:
Cohen syndrome (COH1). Also called: PEPPER SYNDROME; Cutis verticis gyrata, retinitis pigmentosa, and sensorineural deafness. Identifiers: Orphanet 193, MedGen C0265223, MONDO:0008999, OMIM 216550.
Abnormality of the eye. Identifiers: MedGen C4316870, HP:0000478.

Allele frequency attached by ClinVar (database versions not stated): TOPMed below 0.00001; ExAC 0.00001; gnomAD 0.00001; ESP Exome Variant Server 0.00008; gnomAD exomes 0.00001.
gnomAD v4.1: 19 of 1,613,102 alleles (0.0012%); highest among the groups gnomAD compares: Non-Finnish European, 0.0016%; no homozygotes.

Submissions (3):

Institute of Human Genetics, University of Leipzig Medical Center
Classification: Uncertain significance for Cohen syndrome. Last evaluated: 2023-10-12. Review status: criteria provided, single submitter. Criteria: ACMG Guidelines, 2015. Collection method: clinical testing. Allele origin: unknown. Inheritance: Autosomal recessive inheritance. Affected: yes.
Comment: Criteria applied: PM2_SUP,PP3

Eurofins Ntd Llc (ga)
Classification: Uncertain significance. Last evaluated: 2012-11-14. Review status: criteria provided, single submitter. Criteria: EGL Classification Definitions 2015. Collection method: clinical testing. Allele origin: germline. Observed: 2 variant alleles, 2 heterozygotes.

NIHR Bioresource Rare Diseases, University of Cambridge
Classification: Uncertain significance for Disorder of eye. Last evaluated: 2015-01-01. Review status: no assertion criteria provided. Collection method: research. Allele origin: unknown. Affected: yes. Observed: 1 variant allele. Not counted in ClinVar's aggregate classification.

Literature cited by the submitters: PubMed 28041643 (cited by NIHR Bioresource Rare Diseases, University of Cambridge).

NM_152564.5(VPS13B):c.3628G>T (p.Asp1210Tyr)

Gene: VPS13B (vacuolar protein sorting 13 homolog B; plus strand). Cytogenetic location: 8q22.2.
Variant type: single nucleotide variant.
Coding change: c.3628G>T on transcript NM_152564.5 (MANE Select); coding-DNA position 3628, G replaced by T.
Protein change: p.Asp1210Tyr; replaces aspartic acid 1210 with tyrosine.
Molecular consequence: missense variant.
Genome position (GRCh38, 1-based): chr8:99,467,596, G>T. VCF-style: chr8-99467596-G-T. GRCh37 (hg19) VCF-style: chr8-100479824-G-T.
Other names: c.3628G>T, p.Asp1210Tyr (NM_017890.5); short protein forms D1210Y.
Identifiers: ClinVar variation 95847 (VCV000095847.6), dbSNP rs145417421, ClinGen allele CA223427.